The following is an entry in ClinVar:

NM_006231.4(POLE):c.781G>A (p.Asp261Asn)

Gene: POLE (DNA polymerase epsilon, catalytic subunit; minus strand). Cytogenetic location: 12q24.33.
Variant type: single nucleotide variant.
Coding change: c.781G>A on transcript NM_006231.4 (MANE Select); coding-DNA position 781, G replaced by A.
Protein change: p.Asp261Asn; replaces aspartic acid 261 with asparagine.
Molecular consequence: missense variant.
Genome position (GRCh38, 1-based): chr12:132,677,383, C>T on the plus strand (G>A on the coding strand, the complement: POLE is on the minus strand). VCF-style: chr12-132677383-C-T. GRCh37 (hg19) VCF-style: chr12-133253969-C-T.
Other names: short protein forms D261N.
Identifiers: ClinVar variation 1006253 (VCV001006253.8), dbSNP rs1593081010, ClinGen allele CA387364442.

ClinVar aggregate classification (germline): Uncertain significance (1 of 4 stars; one submission).

Submission:

Labcorp Genetics (formerly Invitae), Labcorp
Classification: Uncertain significance. Last evaluated: 2020-09-20. Review status: criteria provided, single submitter. Criteria: Invitae Variant Classification Sherloc (09022015). Collection method: clinical testing. Allele origin: germline.
Comment: In summary, the available evidence is currently insufficient to determine the role of this variant in disease. Therefore, it has been classified as a Variant of Uncertain Significance. Algorithms developed to predict the effect of missense changes on protein structure and function are either unavailable or do not agree on the potential impact of this missense change (SIFT: "Tolerated"; PolyPhen-2: "Probably Damaging"; Align-GVGD: "Class C0"). This variant has not been reported in the literature in individuals with POLE-related conditions. This variant is not present in population databases (ExAC no frequency). This sequence change replaces aspartic acid with asparagine at codon 261 of the POLE protein (p.Asp261Asn). The aspartic acid residue is highly conserved and there is a small physicochemical difference between aspartic acid and asparagine.